The following is an entry in ClinVar:

NM_003998.4(NFKB1):c.572-1G>C

Gene: NFKB1 (nuclear factor kappa B subunit 1; plus strand). Cytogenetic location: 4q24.
Variant type: single nucleotide variant.
Coding change: c.572-1G>C on transcript NM_003998.4 (MANE Select); the canonical splice acceptor site of the intron before coding-DNA position 572, G replaced by C.
Molecular consequence: splice acceptor variant.
Genome position (GRCh38, 1-based): chr4:102,578,880, G>C. VCF-style: chr4-102578880-G-C. GRCh37 (hg19) VCF-style: chr4-103500037-G-C.
Other names: c.572-1G>C (NM_001382626.1, NM_001382625.1); c.569-1G>C (NM_001382627.1, NM_001165412.2, NM_001319226.2); c.530-1G>C (NM_001382628.1).
Identifiers: ClinVar variation 1483450 (VCV001483450.6), dbSNP rs2149184604, ClinGen allele CA357959465.

ClinVar aggregate classification (germline): Likely pathogenic (1 of 4 stars; one submission).

Submission:

Labcorp Genetics (formerly Invitae), Labcorp
Classification: Likely pathogenic. Last evaluated: 2021-09-09. Review status: criteria provided, single submitter. Criteria: Invitae Variant Classification Sherloc (09022015). Collection method: clinical testing. Allele origin: germline.
Comment: In summary, the currently available evidence indicates that the variant is pathogenic, but additional data are needed to prove that conclusively. Therefore, this variant has been classified as Likely Pathogenic. Algorithms developed to predict the effect of sequence changes on RNA splicing suggest that this variant may disrupt the consensus splice site. This variant has not been reported in the literature in individuals affected with NFKB1-related conditions. This variant is not present in population databases (ExAC no frequency). This sequence change affects an acceptor splice site in intron 7 of the NFKB1 gene. It is expected to disrupt RNA splicing. Variants that disrupt the donor or acceptor splice site typically lead to a loss of protein function (PMID: 16199547), and loss-of-function variants in NFKB1 are known to be pathogenic (PMID: 26279205, 29477724).

Literature cited by the submitters: PubMed 16199547; PubMed 26279205; PubMed 29477724.